The following is an entry in ClinVar:

ClinVar aggregate classification (germline): Uncertain significance. Review status: criteria provided, multiple submitters, no conflicts (2 of 4 stars). 2 submissions from 2 submitters: Uncertain significance (2). Last evaluated 2026-01-19.

Conditions:
Inborn genetic diseases. Identifiers: MedGen C0950123, MeSH D030342.
Short-rib thoracic dysplasia 6 with or without polydactyly (SRTD6). Also called: Majewski Syndrome; POLYDACTYLY WITH NEONATAL CHONDRODYSTROPHY, TYPE II; SHORT RIB-POLYDACTYLY SYNDROME, TYPE IIA; SHORT-RIB THORACIC DYSPLASIA 6 WITH POLYDACTYLY; SHORT-RIB THORACIC DYSPLASIA 6 WITHOUT POLYDACTYLY. Identifiers: MedGen C0024507, MONDO:0009894, OMIM 263520.

Allele frequency attached by ClinVar (database versions not stated): gnomAD exomes below 0.00001.
gnomAD v4.1: 1 of 1,539,712 alleles (0.000065%); highest among the groups gnomAD compares: Non-Finnish European, 0.000088%; no homozygotes.

Submissions (2):

Labcorp Genetics (formerly Invitae), Labcorp
Classification: Uncertain significance for Short-rib thoracic dysplasia 6 with or without polydactyly. Last evaluated: 2026-01-19. Review status: criteria provided, single submitter. Criteria: Invitae Variant Classification Sherloc (09022015). Collection method: clinical testing. Allele origin: germline.
Comment: This sequence change replaces threonine, which is neutral and polar, with lysine, which is basic and polar, at codon 198 of the NEK1 protein (p.Thr198Lys). This variant is not present in population databases (gnomAD no frequency). This variant has not been reported in the literature in individuals affected with NEK1-related conditions. ClinVar contains an entry for this variant (Variation ID: 2158624). Invitae Evidence Modeling of protein sequence and biophysical properties (such as structural, functional, and spatial information, amino acid conservation, physicochemical variation, residue mobility, and thermodynamic stability) indicates that this missense variant is expected to disrupt NEK1 protein function with a positive predictive value of 95%. In summary, the available evidence is currently insufficient to determine the role of this variant in disease. Therefore, it has been classified as a Variant of Uncertain Significance.

Ambry Genetics
Classification: Uncertain significance for Inborn genetic diseases. Last evaluated: 2025-07-02. Review status: criteria provided, single submitter. Criteria: Ambry Variant Classification Scheme 2023. Collection method: clinical testing. Allele origin: germline.

NM_001199397.3(NEK1):c.593C>A (p.Thr198Lys)

Gene: NEK1 (NIMA related kinase 1; minus strand). Cytogenetic location: 4q33.
Variant type: single nucleotide variant.
Coding change: c.593C>A on transcript NM_001199397.3 (MANE Select); coding-DNA position 593, C replaced by A.
Protein change: p.Thr198Lys; replaces threonine 198 with lysine.
Molecular consequence: missense variant. On other transcripts: non-coding transcript variant (1).
Genome position (GRCh38, 1-based): chr4:169,587,572, G>T on the plus strand (C>A on the coding strand, the complement: NEK1 is on the minus strand). VCF-style: chr4-169587572-G-T. GRCh37 (hg19) VCF-style: chr4-170508723-G-T.
Other names: c.593C>A, p.Thr198Lys (NM_001199398.3, NM_001199399.3, NM_001199400.3 and 7 more transcripts); c.593C>A (NM_012224.2); short protein forms T198K.
Identifiers: ClinVar variation 2158624 (VCV002158624.5), dbSNP rs1554075300, ClinGen allele CA358740162.
Genomic context (GRCh38, chr4:169,587,572, plus strand): 5'-TCGCTTTTTAACATAACTTTGAAAGTATTTCAGAAACTTCTACTTACAGCATGTTTAAGT[G>T]TACACAGCTCATAAAGGACACACCCCAGAGCCCAAATGTCACTGGAGAAGATAAAAATGA-3'
Protein context (NP_001186326.1, residues 188-208): ALGCVLYELC[Thr198Lys]LKHAFEAGSM